The following is an entry in ClinVar:

NM_006767.4(LZTR1):c.1620T>G (p.His540Gln)

Gene: LZTR1 (leucine zipper like post translational regulator 1; plus strand). Cytogenetic location: 22q11.21.
Variant type: single nucleotide variant.
Coding change: c.1620T>G on transcript NM_006767.4 (MANE Select); coding-DNA position 1620, T replaced by G.
Protein change: p.His540Gln; replaces histidine 540 with glutamine.
Molecular consequence: missense variant.
Genome position (GRCh38, 1-based): chr22:20,994,562, T>G. VCF-style: chr22-20994562-T-G. GRCh37 (hg19) VCF-style: chr22-21348851-T-G.
Other names: short protein forms H540Q.
Identifiers: ClinVar variation 3238115 (VCV003238115.1), dbSNP rs141610191.

ClinVar aggregate classification (germline): Uncertain significance (1 of 4 stars; one submission).

Conditions:
Hereditary cancer-predisposing syndrome. Also called: Neoplastic Syndromes, Hereditary; Tumor predisposition; Hereditary neoplastic syndrome; Hereditary Cancer Syndrome. Identifiers: Orphanet 140162, MedGen C0027672, MeSH D009386, MONDO:0015356.
Cardiovascular phenotype. Identifiers: MedGen CN230736.

Submission:

Ambry Genetics
Classification: Uncertain significance for Cardiovascular phenotype; Hereditary cancer-predisposing syndrome. Last evaluated: 2024-03-08. Review status: criteria provided, single submitter. Criteria: Ambry Variant Classification Scheme 2023. Collection method: clinical testing. Allele origin: germline.
Comment: The p.H540Q variant (also known as c.1620T>G), located in coding exon 15 of the LZTR1 gene, results from a T to G substitution at nucleotide position 1620. The histidine at codon 540 is replaced by glutamine, an amino acid with highly similar properties. This amino acid position is highly conserved in available vertebrate species. In addition, this alteration is predicted to be tolerated by in silico analysis. Based on the available evidence, the clinical significance of this alteration remains unclear.